The following is an entry in ClinVar:

ClinVar aggregate classification (germline): Benign/Likely benign. Review status: criteria provided, multiple submitters, no conflicts (2 of 4 stars). 2 submissions from 2 submitters: Benign (1); Likely benign (1). Last evaluated 2025-11-23.

Conditions:
ALG3-congenital disorder of glycosylation. Also called: CONGENITAL DISORDER OF GLYCOSYLATION, TYPE Id; CDG Id; CARBOHYDRATE-DEFICIENT GLYCOPROTEIN SYNDROME, TYPE IV; CDGS, TYPE IV; ALG3-CDG. Identifiers: Orphanet 79321, MedGen C1832736, MONDO:0010998, OMIM 601110.

Allele frequency attached by ClinVar (database versions not stated): gnomAD 0.00003; ESP Exome Variant Server 0.00008; TOPMed 0.00008; 1000 Genomes Project 30x 0.00031; 1000 Genomes Project 0.00040.
gnomAD v4.1: 140 of 1,610,128 alleles (0.0087%); highest among the groups gnomAD compares: South Asian, 0.095%; 3 homozygotes.

Submissions (2):

Labcorp Genetics (formerly Invitae), Labcorp
Classification: Benign for ALG3-congenital disorder of glycosylation. Last evaluated: 2025-11-23. Review status: criteria provided, single submitter. Criteria: Invitae Variant Classification Sherloc (09022015). Collection method: clinical testing. Allele origin: germline.

GeneDx
Classification: Likely benign. Last evaluated: 2017-09-18. Review status: criteria provided, single submitter. Criteria: GeneDx Variant Classification (06012015). Collection method: clinical testing. Allele origin: germline. Affected: yes.
Comment: This variant is considered likely benign or benign based on one or more of the following criteria: it is a conservative change, it occurs at a poorly conserved position in the protein, it is predicted to be benign by multiple in silico algorithms, and/or has population frequency not consistent with disease.

NM_005787.6(ALG3):c.1272G>A (p.Pro424=)

Gene: ALG3 (ALG3 alpha-1,3- mannosyltransferase; minus strand). Cytogenetic location: 3q27.1.
Variant type: single nucleotide variant.
Coding change: c.1272G>A on transcript NM_005787.6 (MANE Select); coding-DNA position 1272, G replaced by A.
Protein change: p.Pro424=; no amino-acid change (proline 424 retained).
Molecular consequence: synonymous variant. On other transcripts: non-coding transcript variant (2).
Genome position (GRCh38, 1-based): chr3:184,242,559, C>T on the plus strand (G>A on the coding strand, the complement: ALG3 is on the minus strand). VCF-style: chr3-184242559-C-T. GRCh37 (hg19) VCF-style: chr3-183960347-C-T.
Other names: c.1128G>A, p.Pro376= (NM_001006941.2).
Identifiers: ClinVar variation 511804 (VCV000511804.8), dbSNP rs372724502, ClinGen allele CA2729268.
Genomic context (GRCh38, chr3:184,242,559, plus strand): 5'-GGAAAGGGGTGGACTTCAGTGGGCTTTCTTGCTGTGTTGGGTGCTCTTGGGGAAAGGCTG[C>T]GGGCCCAGCCAGAGCTGCAGCAGGATGACGGCATGGCATATGTGCAGGGCAGCAGAGCTG-3'
Protein context (NP_005778.1, residues 414-434): AVILLQLWLG[Pro424=]QPFPKSTQHS